The following is an entry in ClinVar:

ClinVar aggregate classification (germline): Pathogenic (1 of 4 stars; one submission).

Submission:

ISCA site 15
Classification: Pathogenic. Last evaluated: 2011-08-12. Review status: criteria provided, single submitter. Criteria: Kaminsky et al. (Genet Med. 2011). Collection method: clinical testing. Allele origin: de novo. Affected: yes. Observed: 1 variant allele.
Comment: Copy number variation identified through the course of routine clinical cytogenomic testing in postnatal populations. Clinical assertions have been curated as described in Kaminsky et al. 2011.

GRCh38/hg38 17p13.3(chr17:1174818-1634495)x3

Genes: ABR (ABR activator of RhoGEF and GTPase; minus strand), ABR-AS1 (ABR antisense RNA 1; plus strand), BHLHA9 (basic helix-loop-helix family member a9; plus strand), CRK (CRK proto-oncogene, adaptor protein; minus strand), CRK-AS1 (CRK antisense RNA 1; plus strand) and 33 more. Cytogenetic location: 17p13.3.
Variant type: copy number gain.
Change: copy number 3 (three copies instead of two) of chr17:1,174,818-1,634,495 (459.7 kb, GRCh38 coordinates, 1-based), cytogenetic band 17p13.3.
Identifiers: ClinVar variation 58670 (VCV000058670.1).